The following is an entry in ClinVar:

NM_006267.5(RANBP2):c.7756G>A (p.Glu2586Lys)

Gene: RANBP2 (RAN binding protein 2; plus strand). Cytogenetic location: 2q13.
Variant type: single nucleotide variant.
Coding change: c.7756G>A on transcript NM_006267.5 (MANE Select); coding-DNA position 7756, G replaced by A.
Protein change: p.Glu2586Lys; replaces glutamic acid 2586 with lysine.
Molecular consequence: missense variant.
Genome position (GRCh38, 1-based): chr2:108,768,295, G>A. VCF-style: chr2-108768295-G-A. GRCh37 (hg19) VCF-style: chr2-109384751-G-A.
Other names: short protein forms E2586K.
Identifiers: ClinVar variation 947897 (VCV000947897.11), dbSNP rs544396243, ClinGen allele CA1823652.

ClinVar aggregate classification (germline): Uncertain significance (1 of 4 stars; one submission).

Conditions:
Familial acute necrotizing encephalopathy (IIAE3). Also called: ENCEPHALOPATHY, ACUTE, INFECTION-INDUCED, SUSCEPTIBILITY TO, 3; Susceptibility to Acute Necrotizing Encephalopathy 1. Identifiers: Orphanet 88619, MedGen C2675556, MONDO:0011953, OMIM 608033.

Allele frequency attached by ClinVar (database versions not stated): gnomAD exomes 0.00002 and 0.00009; ExAC 0.00007; gnomAD 0.00011 and 0.00012; TOPMed 0.00012; 1000 Genomes Project 30x 0.00016; 1000 Genomes Project 0.00020.
gnomAD v4.1: 40 of 1,611,926 alleles (0.0025%); highest among the groups gnomAD compares: African/African-American, 0.032%; no homozygotes.

Submission:

Labcorp Genetics (formerly Invitae), Labcorp
Classification: Uncertain significance for Familial acute necrotizing encephalopathy. Last evaluated: 2023-07-07. Review status: criteria provided, single submitter. Criteria: Invitae Variant Classification Sherloc (09022015). Collection method: clinical testing. Allele origin: germline.
Comment: In summary, the available evidence is currently insufficient to determine the role of this variant in disease. Therefore, it has been classified as a Variant of Uncertain Significance. Advanced modeling of protein sequence and biophysical properties (such as structural, functional, and spatial information, amino acid conservation, physicochemical variation, residue mobility, and thermodynamic stability) performed at Invitae indicates that this missense variant is not expected to disrupt RANBP2 protein function. ClinVar contains an entry for this variant (Variation ID: 947897). This variant has not been reported in the literature in individuals affected with RANBP2-related conditions. This variant is present in population databases (rs544396243, gnomAD 0.05%), and has an allele count higher than expected for a pathogenic variant. This sequence change replaces glutamic acid, which is acidic and polar, with lysine, which is basic and polar, at codon 2586 of the RANBP2 protein (p.Glu2586Lys).